The following is an entry in ClinVar:

NM_005138.3(SCO2):c.667G>A (p.Asp223Asn)

Genes: NCAPH2 (non-SMC condensin II complex subunit H2; plus strand), SCO2 (synthesis of cytochrome C oxidase 2; minus strand). Cytogenetic location: 22q13.33.
Variant type: single nucleotide variant.
Coding change: c.667G>A on transcript NM_005138.3 (MANE Select); coding-DNA position 667, G replaced by A.
Protein change: p.Asp223Asn; replaces aspartic acid 223 with asparagine.
Molecular consequence: missense variant. On other transcripts: 3 prime UTR variant (2).
Genome position (GRCh38, 1-based): chr22:50,523,745, C>T on the plus strand (G>A on the coding strand, the complement: SCO2 is on the minus strand). VCF-style: chr22-50523745-C-T. GRCh37 (hg19) VCF-style: chr22-50962174-C-T.
Other names: c.*370C>T (NM_001185011.2, NM_152299.4); c.667G>A, p.Asp223Asn (NM_001169109.2, NM_001169110.1, NM_001169111.2); short protein forms D223N.
Identifiers: ClinVar variation 3629889 (VCV003629889.1).

ClinVar aggregate classification (germline): Uncertain significance (1 of 4 stars; one submission).

Submission:

Women's Health and Genetics/Laboratory Corporation of America, LabCorp
Classification: Uncertain significance. Last evaluated: 2024-11-01. Review status: criteria provided, single submitter. Criteria: LabCorp Variant Classification Summary - May 2015. Collection method: clinical testing. Allele origin: germline.
Comment: Variant summary: SCO2 c.667G>A (p.Asp223Asn) results in a conservative amino acid change located in the Thioredoxin domain (IPR013766) of the encoded protein sequence. Four of five in-silico tools predict a damaging effect of the variant on protein function. The variant was absent in 251432 control chromosomes. The available data on variant occurrences in the general population are insufficient to allow any conclusion about variant significance. c.667G>A has been reported in the literature in a compound heterozygous individual affected with Cardioencephalomyopathy, fatal infantile, due to cytochrome c oxidase deficiency 1 (Vondrkov_2014). These data do not allow any conclusion about variant significance. To our knowledge, no experimental evidence demonstrating an impact on protein function has been reported. The following publication have been ascertained in the context of this evaluation (PMID: 23838601). No submitters have cited clinical-significance assessments for this variant to ClinVar. Based on the evidence outlined above, the variant was classified as uncertain significance.

Literature cited by the submitters: PubMed 23838601.